The following is an entry in ClinVar:

ClinVar aggregate classification (germline): Pathogenic (1 of 4 stars; one submission).

Conditions:
Breast-ovarian cancer, familial, susceptibility to, 2 (BROVCA2). Also called: BRCA2 Hereditary Breast and Ovarian Cancer. Identifiers: Orphanet 145, MedGen C2675520, MONDO:0012933, OMIM 612555. Disease mechanism: loss of function.

Submission:

Myriad Genetics, Inc.
Classification: Pathogenic for Breast-ovarian cancer, familial, susceptibility to, 2. Last evaluated: 2023-01-17. Review status: criteria provided, single submitter. Criteria: Myriad Autosomal Dominant, Autosomal Recessive and X-Linked Classification Criteria (2023). Collection method: clinical testing. Allele origin: unknown.
Comment: This variant is considered pathogenic. This variant creates a frameshift predicted to result in premature protein truncation.

NM_000059.4(BRCA2):c.2928_2941delinsG (p.Leu977fs)

Gene: BRCA2 (BRCA2 DNA repair associated; plus strand). Cytogenetic location: 13q13.1.
Variant type: Indel.
Coding change: c.2928_2941delinsG on transcript NM_000059.4 (MANE Select); coding-DNA positions 2928 to 2941, CTTGAATATAGATA replaced by G.
Protein change: p.Leu977fs; shifts the reading frame from leucine 977.
Molecular consequence: frameshift variant.
Genome position (GRCh38, 1-based): chr13:32,337,283-32,337,296, CTTGAATATAGATA replaced by G. VCF-style: chr13-32337283-CTTGAATATAGATA-G. GRCh37 (hg19) VCF-style: chr13-32911420-CTTGAATATAGATA-G.
Other names: c.2928_2941delCTTGAATATAGATAinsG, p.Leu977Lysfs (NM_001406719.1, NM_001406720.1); short protein forms L977fs.
Identifiers: ClinVar variation 2431247 (VCV002431247.1), dbSNP rs2548524895, ClinGen allele CA2580087307.